The following is an entry in ClinVar:

NM_007078.3(LDB3):c.628A>G (p.Met210Val)

Gene: LDB3 (LIM domain binding 3; plus strand). Cytogenetic location: 10q23.2.
Variant type: single nucleotide variant.
Coding change: c.628A>G on transcript NM_007078.3 (MANE Select); coding-DNA position 628, A replaced by G.
Protein change: p.Met210Val; replaces methionine 210 with valine.
Molecular consequence: missense variant. On other transcripts: intron variant (5).
Genome position (GRCh38, 1-based): chr10:86,681,742, A>G. VCF-style: chr10-86681742-A-G. GRCh37 (hg19) VCF-style: chr10-88441499-A-G.
Other names: c.628A>G, p.Met210Val (NM_001080115.2, NM_001171610.2, NM_001171611.2 and 3 more transcripts); c.321+1585A>G (NM_001368068.1, NM_001368066.1, NM_001080114.2 and 2 more transcripts); short protein forms M210V.
Identifiers: ClinVar variation 2625897 (VCV002625897.2), dbSNP rs1036079839, ClinGen allele CA211212372.

ClinVar aggregate classification (germline): Uncertain significance (1 of 4 stars; one submission).

Conditions:
Cardiovascular phenotype. Identifiers: MedGen CN230736.

Allele frequency attached by ClinVar (database versions not stated): gnomAD exomes below 0.00001; TOPMed 0.00001.
gnomAD v4.1: 1 of 1,605,812 alleles (0.000062%); highest among the groups gnomAD compares: Non-Finnish European, 0.000085%; no homozygotes.

Submission:

Ambry Genetics
Classification: Uncertain significance for Cardiovascular phenotype. Last evaluated: 2023-08-03. Review status: criteria provided, single submitter. Criteria: Ambry Variant Classification Scheme 2023. Collection method: clinical testing. Allele origin: germline.
Comment: The p.M210V variant (also known as c.628A>G), located in coding exon 4 of the LDB3 gene, results from an A to G substitution at nucleotide position 628. The methionine at codon 210 is replaced by valine, an amino acid with highly similar properties. This amino acid position is conserved. In addition, the in silico prediction for this alteration is inconclusive. Since supporting evidence is limited at this time, the clinical significance of this alteration remains unclear.